The following is an entry in ClinVar:

ClinVar aggregate classification (germline): Uncertain significance. Review status: criteria provided, multiple submitters, no conflicts (2 of 4 stars). 3 submissions from 3 submitters: Uncertain significance (3). Last evaluated 2025-03-07.

Conditions:
Hereditary cancer-predisposing syndrome. Also called: Hereditary neoplastic syndrome; Neoplastic Syndromes, Hereditary; Tumor predisposition; Hereditary Cancer Syndrome. Identifiers: Orphanet 140162, MedGen C0027672, MeSH D009386, MONDO:0015356.

Allele frequency attached by ClinVar (database versions not stated): TOPMed below 0.00001; ExAC 0.00001; gnomAD 0.00001; gnomAD exomes 0.00001; ESP Exome Variant Server 0.00008.
gnomAD v4.1: 17 of 1,611,074 alleles (0.0011%); highest among the groups gnomAD compares: Non-Finnish European, 0.0014%; no homozygotes.

Submissions (3):

Ambry Genetics
Classification: Uncertain significance for Hereditary cancer-predisposing syndrome. Last evaluated: 2025-03-07. Review status: criteria provided, single submitter. Criteria: Ambry Variant Classification Scheme 2023. Collection method: clinical testing. Allele origin: germline.
Comment: The p.I1094T variant (also known as c.3281T>C), located in coding exon 27 of the POLE gene, results from a T to C substitution at nucleotide position 3281. The isoleucine at codon 1094 is replaced by threonine, an amino acid with similar properties. This amino acid position is highly conserved in available vertebrate species. In addition, the in silico prediction for this alteration is inconclusive. Based on the available evidence, the clinical significance of this variant remains unclear.

Labcorp Genetics (formerly Invitae), Labcorp
Classification: Uncertain significance. Last evaluated: 2024-03-18. Review status: criteria provided, single submitter. Criteria: Invitae Variant Classification Sherloc (09022015). Collection method: clinical testing. Allele origin: germline.
Comment: This sequence change replaces isoleucine, which is neutral and non-polar, with threonine, which is neutral and polar, at codon 1094 of the POLE protein (p.Ile1094Thr). This variant is present in population databases (rs372516267, gnomAD 0.002%). This variant has not been reported in the literature in individuals affected with POLE-related conditions. ClinVar contains an entry for this variant (Variation ID: 834296). Advanced modeling of protein sequence and biophysical properties (such as structural, functional, and spatial information, amino acid conservation, physicochemical variation, residue mobility, and thermodynamic stability) performed at Invitae indicates that this missense variant is expected to disrupt POLE protein function with a positive predictive value of 80%. In summary, the available evidence is currently insufficient to determine the role of this variant in disease. Therefore, it has been classified as a Variant of Uncertain Significance.

GeneDx
Classification: Uncertain significance. Last evaluated: 2023-01-17. Review status: criteria provided, single submitter. Criteria: GeneDx Variant Classification Process June 2021. Collection method: clinical testing. Allele origin: germline. Affected: yes.
Comment: Not observed at significant frequency in large population cohorts (gnomAD); In silico analysis supports that this missense variant has a deleterious effect on protein structure/function; Has not been previously published as pathogenic or benign to our knowledge; This variant is associated with the following publications: (PMID: 29273096)

NM_006231.4(POLE):c.3281T>C (p.Ile1094Thr)

Gene: POLE (DNA polymerase epsilon, catalytic subunit; minus strand). Cytogenetic location: 12q24.33.
Variant type: single nucleotide variant.
Coding change: c.3281T>C on transcript NM_006231.4 (MANE Select); coding-DNA position 3281, T replaced by C.
Protein change: p.Ile1094Thr; replaces isoleucine 1094 with threonine.
Molecular consequence: missense variant.
Genome position (GRCh38, 1-based): chr12:132,657,965, A>G on the plus strand (T>C on the coding strand, the complement: POLE is on the minus strand). VCF-style: chr12-132657965-A-G. GRCh37 (hg19) VCF-style: chr12-133234551-A-G.
Other names: c.3281T>C (NM_006231.2); short protein forms I1094T.
Identifiers: ClinVar variation 834296 (VCV000834296.9), dbSNP rs372516267, ClinGen allele CA6893289.